The following is an entry in ClinVar:

ClinVar aggregate classification (germline): Uncertain significance (1 of 4 stars; one submission).

Conditions:
Hereditary spastic paraplegia 48. Also called: SPASTIC PARAPLEGIA 48, AUTOSOMAL RECESSIVE; Spastic paraplegia 48. Identifiers: Orphanet 306511, MedGen C3150901, MONDO:0013342, OMIM 613647.

Allele frequency attached by ClinVar (database versions not stated): gnomAD 0.00001.
gnomAD v4.1: 2 of 1,550,610 alleles (0.00013%); highest among the groups gnomAD compares: Admixed American, 0.0039%; no homozygotes.

Submission:

Labcorp Genetics (formerly Invitae), Labcorp
Classification: Uncertain significance for Hereditary spastic paraplegia 48. Last evaluated: 2019-12-31. Review status: criteria provided, single submitter. Criteria: Invitae Variant Classification Sherloc (09022015). Collection method: clinical testing. Allele origin: germline.
Comment: In summary, the available evidence is currently insufficient to determine the role of this variant in disease. Therefore, it has been classified as a Variant of Uncertain Significance. Algorithms developed to predict the effect of missense changes on protein structure and function (SIFT, PolyPhen-2, Align-GVGD) all suggest that this variant is likely to be disruptive, but these predictions have not been confirmed by published functional studies and their clinical significance is uncertain. This variant has not been reported in the literature in individuals with AP5Z1-related conditions. This variant is not present in population databases (ExAC no frequency). This sequence change replaces alanine with valine at codon 187 of the AP5Z1 protein (p.Ala187Val). The alanine residue is highly conserved and there is a small physicochemical difference between alanine and valine.

NM_014855.3(AP5Z1):c.560C>T (p.Ala187Val)

Gene: AP5Z1 (adaptor related protein complex 5 subunit zeta 1; plus strand). Cytogenetic location: 7p22.1.
Variant type: single nucleotide variant.
Coding change: c.560C>T on transcript NM_014855.3 (MANE Select); coding-DNA position 560, C replaced by T.
Protein change: p.Ala187Val; replaces alanine 187 with valine.
Molecular consequence: missense variant. On other transcripts: non-coding transcript variant (1).
Genome position (GRCh38, 1-based): chr7:4,783,737, C>T. VCF-style: chr7-4783737-C-T. GRCh37 (hg19) VCF-style: chr7-4823368-C-T.
Other names: c.92C>T, p.Ala31Val (NM_001364858.1); short protein forms A187V, A31V.
Identifiers: ClinVar variation 863002 (VCV000863002.9), dbSNP rs1325471838, ClinGen allele CA366659332.